The following is an entry in ClinVar:

ClinVar aggregate classification (germline): Uncertain significance (1 of 4 stars; one submission).

Allele frequency attached by ClinVar (database versions not stated): gnomAD 0.00001.
gnomAD v4.1: 1 of 1,613,824 alleles (0.000062%); highest among the groups gnomAD compares: African/African-American, 0.0013%; no homozygotes.

Submission:

Labcorp Genetics (formerly Invitae), Labcorp
Classification: Uncertain significance. Last evaluated: 2023-12-22. Review status: criteria provided, single submitter. Criteria: Invitae Variant Classification Sherloc (09022015). Collection method: clinical testing. Allele origin: germline.
Comment: This sequence change replaces serine, which is neutral and polar, with cysteine, which is neutral and slightly polar, at codon 277 of the ADIPOR1 protein (p.Ser277Cys). This variant is present in population databases (no rsID available, gnomAD 0.01%). This variant has not been reported in the literature in individuals affected with ADIPOR1-related conditions. An algorithm developed to predict the effect of missense changes on protein structure and function (PolyPhen-2) suggests that this variant is likely to be disruptive. In summary, the available evidence is currently insufficient to determine the role of this variant in disease. Therefore, it has been classified as a Variant of Uncertain Significance.

NM_015999.6(ADIPOR1):c.829A>T (p.Ser277Cys)

Gene: ADIPOR1 (adiponectin receptor 1; minus strand). Cytogenetic location: 1q32.1.
Variant type: single nucleotide variant.
Coding change: c.829A>T on transcript NM_015999.6 (MANE Select); coding-DNA position 829, A replaced by T.
Protein change: p.Ser277Cys; replaces serine 277 with cysteine.
Molecular consequence: missense variant.
Genome position (GRCh38, 1-based): chr1:202,942,195, T>A on the plus strand (A>T on the coding strand, the complement: ADIPOR1 is on the minus strand). VCF-style: chr1-202942195-T-A. GRCh37 (hg19) VCF-style: chr1-202911323-T-A.
Other names: c.829A>T, p.Ser277Cys (NM_001127687.1, NM_001290553.2, NM_001290557.1 and 1 more transcripts); short protein forms S277C.
Identifiers: ClinVar variation 2704840 (VCV002704840.3), dbSNP rs1446179241, ClinGen allele CA344278481.